The following is an entry in ClinVar:

NM_001348323.3(TRIP12):c.4119C>A (p.Ile1373=)

Gene: TRIP12 (thyroid hormone receptor interactor 12; minus strand). Cytogenetic location: 2q36.3.
Variant type: single nucleotide variant.
Coding change: c.4119C>A on transcript NM_001348323.3 (MANE Select); coding-DNA position 4119, C replaced by A.
Protein change: p.Ile1373=; no amino-acid change (isoleucine 1373 retained).
Molecular consequence: synonymous variant.
Genome position (GRCh38, 1-based): chr2:229,792,995, G>T on the plus strand (C>A on the coding strand, the complement: TRIP12 is on the minus strand). VCF-style: chr2-229792995-G-T. GRCh37 (hg19) VCF-style: chr2-230657711-G-T.
Other names: c.4038C>A, p.Ile1346= (NM_001284214.2, NM_001348315.2); c.3993C>A, p.Ile1331= (NM_001284215.2, NM_001348316.2); c.3084C>A, p.Ile1028= (NM_001284216.2); c.3978C>A, p.Ile1326= (NM_001348317.1, NM_001348318.2); c.4104C>A, p.Ile1368= (NM_001348319.1, NM_001348320.2); c.4107C>A, p.Ile1369= (NM_001348321.1); c.4119C>A, p.Ile1373= (NM_001348322.1, NM_001348324.2, NM_001348325.2 and 2 more transcripts); c.4122C>A, p.Ile1374= (NM_001348328.1, NM_001348329.2, NM_001348330.2); and 4 more.
Identifiers: ClinVar variation 4535391 (VCV004535391.6).

ClinVar aggregate classification (germline): Likely benign (1 of 4 stars; one submission).

Submission:

CeGaT Center for Human Genetics Tuebingen
Classification: Likely benign. Last evaluated: 2025-11-01. Review status: criteria provided, single submitter. Criteria: CeGaT Center For Human Genetics Tuebingen Variant Classification Criteria Version 2. Collection method: clinical testing. Allele origin: germline. Affected: yes. Observed: 1 variant allele.
Comment: TRIP12: PM2:Supporting, BP4, BP7